The following is an entry in ClinVar:

NM_004415.4(DSP):c.7235C>G (p.Thr2412Ser)

Gene: DSP (desmoplakin; plus strand). Cytogenetic location: 6p24.3.
Variant type: single nucleotide variant.
Coding change: c.7235C>G on transcript NM_004415.4 (MANE Select); coding-DNA position 7235, C replaced by G.
Protein change: p.Thr2412Ser; replaces threonine 2412 with serine.
Molecular consequence: missense variant.
Genome position (GRCh38, 1-based): chr6:7,584,497, C>G. VCF-style: chr6-7584497-C-G. GRCh37 (hg19) VCF-style: chr6-7584730-C-G.
Other names: c.5438C>G, p.Thr1813Ser (NM_001008844.3); c.5906C>G, p.Thr1969Ser (NM_001319034.2); short protein forms T1969S, T2412S, T1813S.
Identifiers: ClinVar variation 5010114 (VCV005010114.1).

ClinVar aggregate classification (germline): Uncertain significance (1 of 4 stars; one submission).

Submission:

GeneDx
Classification: Uncertain significance. Last evaluated: 2026-02-25. Review status: criteria provided, single submitter. Criteria: GeneDx Variant Classification Process June 2021. Collection method: clinical testing. Allele origin: germline.
Comment: Not observed at significant frequency in large population cohorts (gnomAD); In silico analysis supports that this missense variant has a deleterious effect on protein structure/function; Has not been previously published as pathogenic or benign to our knowledge